The following is an entry in ClinVar:

ClinVar aggregate classification (germline): Pathogenic/Likely pathogenic. Review status: criteria provided, multiple submitters, no conflicts (2 of 4 stars). 2 submissions from 2 submitters: Pathogenic (1); Likely pathogenic (1). Last evaluated 2023-01-08.

Conditions:
Marfan syndrome (MFS). Also called: Marfan's syndrome; Marfan syndrome, classic; MARFAN SYNDROME, TYPE I; Marfan syndrome type 1; FBN1-Related Marfan Syndrome. Identifiers: Orphanet 284963, Orphanet 558, MedGen C0024796, MONDO:0007947, OMIM 154700.
Familial thoracic aortic aneurysm and aortic dissection (TAAD). Also called: Thoracic aortic aneurysms and dissections. Identifiers: Orphanet 91387, MedGen C4707243, MONDO:0019625.

Submissions (2):

Labcorp Genetics (formerly Invitae), Labcorp
Classification: Pathogenic for Marfan syndrome; Familial thoracic aortic aneurysm and aortic dissection. Last evaluated: 2023-01-08. Review status: criteria provided, single submitter. Criteria: Invitae Variant Classification Sherloc (09022015). Collection method: clinical testing. Allele origin: germline.
Comment: This variant affects a cysteine residue in the EGF-like, TGFBP or hybrid motif domains of FBN1. Cysteine residues are believed to be involved in intramolecular disulfide bridges and have been shown to be important for FBN1 protein structure (PMID: 16905551, 19349279). In addition, missense substitutions affecting cysteine residues within these domains are significantly overrepresented among patients with Marfan syndrome (PMID: 16571647, 17701892). This sequence change replaces cysteine, which is neutral and slightly polar, with glycine, which is neutral and non-polar, at codon 1513 of the FBN1 protein (p.Cys1513Gly). This variant is not present in population databases (gnomAD no frequency). This missense change has been observed in individual(s) with clinical features of Marfan syndrome (Invitae). ClinVar contains an entry for this variant (Variation ID: 1741306). Advanced modeling of protein sequence and biophysical properties (such as structural, functional, and spatial information, amino acid conservation, physicochemical variation, residue mobility, and thermodynamic stability) performed at Invitae indicates that this missense variant is expected to disrupt FBN1 protein function. This variant disrupts the p.Cys1513 amino acid residue in FBN1. Other variant(s) that disrupt this residue have been observed in individuals with FBN1-related conditions (PMID: 8136837, 16476890), which suggests that this may be a clinically significant amino acid residue. For these reasons, this variant has been classified as Pathogenic.

Ambry Genetics
Classification: Likely pathogenic for Familial thoracic aortic aneurysm and aortic dissection. Last evaluated: 2017-09-30. Review status: criteria provided, single submitter. Criteria: Ambry Variant Classification Scheme 2023. Collection method: clinical testing. Allele origin: germline.
Comment: The p.C1513G variant (also known as c.4537T>G), located in coding exon 36 of the FBN1 gene, results from a T to G substitution at nucleotide position 4537. The cysteine at codon 1513 is replaced by glycine, an amino acid with highly dissimilar properties, and is located in the cbEGF-like #22 domain. The majority of FBN1 mutations identified to date have involved the substitution or generation of cysteine residues within cbEGF domains (Vollbrandt T et al. J Biol Chem. 2004;279(31):32924-32931). This particular alteration has been reported in one individual with classical Marfan syndrome (MFS) who was heterozygous for a second, nearby FBN1 variant (c.4536C>A p.D1512E) (Yoo EH et al. Clin. Genet. 2010;77:177-82). Two likely pathogenic alterations in the same codon (p.C1513R and p.C1513W) have also been associated with MFS (Kainulainen K et al. Nat. Genet. 1994;6:64-9; Ganesh A et al. Arch. Ophthalmol. 2006;124:205-9). Internal structural analysis indicates that this alteration disrupts a disulfide bond and is structurally destabilizing (Lee SS et al. Structure. 2004;12(4):717-29). This amino acid position is highly conserved in available vertebrate species. In addition, this alteration is predicted to be deleterious by in silico analysis. Based on the majority of available evidence to date, this variant is likely to be pathogenic.

Literature cited by the submitters: PubMed 16905551 (cited by Labcorp Genetics (formerly Invitae), Labcorp); PubMed 19349279 (cited by Labcorp Genetics (formerly Invitae), Labcorp); PubMed 16571647 (cited by Labcorp Genetics (formerly Invitae), Labcorp); PubMed 17701892 (cited by Labcorp Genetics (formerly Invitae), Labcorp); PubMed 8136837 (cited by Labcorp Genetics (formerly Invitae), Labcorp); PubMed 16476890 (cited by Labcorp Genetics (formerly Invitae), Labcorp); PubMed 19863550 (cited by Ambry Genetics).

NM_000138.5(FBN1):c.4537T>G (p.Cys1513Gly)

Gene: FBN1 (fibrillin 1; minus strand). Cytogenetic location: 15q21.1.
Variant type: single nucleotide variant.
Coding change: c.4537T>G on transcript NM_000138.5 (MANE Select); coding-DNA position 4537, T replaced by G.
Protein change: p.Cys1513Gly; replaces cysteine 1513 with glycine.
Molecular consequence: missense variant.
Genome position (GRCh38, 1-based): chr15:48,468,457, A>C on the plus strand (T>G on the coding strand, the complement: FBN1 is on the minus strand). VCF-style: chr15-48468457-A-C. GRCh37 (hg19) VCF-style: chr15-48760654-A-C.
Other names: c.4537T>G, p.Cys1513Gly (NM_001406716.1); short protein forms C1513G.
Identifiers: ClinVar variation 1741306 (VCV001741306.5), dbSNP rs112723282, ClinGen allele CA269552303.
Genomic context (GRCh38, chr15:48,468,457, plus strand): 5'-TTTTTAAGGTCTTACCAACACAGCCAACTCGAGTTGGGTTCAGTTCAAAATCAGGTGGGC[A>C]GTCACAGATATAGCTGCCTGGAGTGTTGACACAGTTCCCACTGATGCACGTGGTTGGATC-3'
Protein context (NP_000129.3, residues 1503-1523): VNTPGSYICD[Cys1513Gly]PPDFELNPTR